The following is an entry in ClinVar:

NM_206933.4(USH2A):c.6988G>A (p.Glu2330Lys)

Gene: USH2A (usherin; minus strand). Cytogenetic location: 1q41.
Variant type: single nucleotide variant.
Coding change: c.6988G>A on transcript NM_206933.4 (MANE Select); coding-DNA position 6988, G replaced by A.
Protein change: p.Glu2330Lys; replaces glutamic acid 2330 with lysine.
Molecular consequence: missense variant.
Genome position (GRCh38, 1-based): chr1:215,965,449, C>T on the plus strand (G>A on the coding strand, the complement: USH2A is on the minus strand). VCF-style: chr1-215965449-C-T. GRCh37 (hg19) VCF-style: chr1-216138791-C-T.
Other names: short protein forms E2330K.
Identifiers: ClinVar variation 595078 (VCV000595078.7), dbSNP rs926377709, ClinGen allele CA37450330.

ClinVar aggregate classification (germline): Uncertain significance. Review status: criteria provided, multiple submitters, no conflicts (2 of 4 stars). 4 submissions from 3 submitters: Uncertain significance (4). Last evaluated 2023-11-04.

Conditions:
Usher syndrome type 2A. Also called: RETINAL DISEASE IN USHER SYNDROME TYPE IIA, MODIFIER OF; USHER SYNDROME, TYPE IIA. Identifiers: Orphanet 231178, Orphanet 886, MedGen C1848634, MONDO:0010169, OMIM 276901.
Retinitis pigmentosa 39 (RP39). Identifiers: Orphanet 791, MedGen C3151138, MONDO:0013436, OMIM 613809.

Allele frequency attached by ClinVar (database versions not stated): gnomAD 0.00001; gnomAD exomes 0.00001; TOPMed 0.00002.
gnomAD v4.1: 15 of 1,613,572 alleles (0.00093%); highest among the groups gnomAD compares: Admixed American, 0.0033%; no homozygotes.

Submissions (4):

Genome-Nilou Lab
Classification: Uncertain significance for Retinitis pigmentosa 39. Last evaluated: 2023-11-04. Review status: criteria provided, single submitter. Criteria: ACMG Guidelines, 2015. Collection method: clinical testing. Allele origin: germline. Affected: no.

Genome-Nilou Lab
Classification: Uncertain significance for Usher syndrome type 2A. Last evaluated: 2023-11-04. Review status: criteria provided, single submitter. Criteria: ACMG Guidelines, 2015. Collection method: clinical testing. Allele origin: germline. Affected: no.

Labcorp Genetics (formerly Invitae), Labcorp
Classification: Uncertain significance. Last evaluated: 2022-03-11. Review status: criteria provided, single submitter. Criteria: Invitae Variant Classification Sherloc (09022015). Collection method: clinical testing. Allele origin: germline.
Comment: This sequence change replaces glutamic acid, which is acidic and polar, with lysine, which is basic and polar, at codon 2330 of the USH2A protein (p.Glu2330Lys). This variant is present in population databases (no rsID available, gnomAD 0.006%). This variant has not been reported in the literature in individuals affected with USH2A-related conditions. ClinVar contains an entry for this variant (Variation ID: 595078). Algorithms developed to predict the effect of missense changes on protein structure and function are either unavailable or do not agree on the potential impact of this missense change (SIFT: "Deleterious"; PolyPhen-2: "Benign"; Align-GVGD: "Class C15"). In summary, the available evidence is currently insufficient to determine the role of this variant in disease. Therefore, it has been classified as a Variant of Uncertain Significance.

Eurofins Ntd Llc (ga)
Classification: Uncertain significance. Last evaluated: 2017-12-01. Review status: criteria provided, single submitter. Criteria: EGL Classification Definitions 2015. Collection method: clinical testing. Allele origin: germline. Observed: 1 variant allele, 1 heterozygote.